The following is an entry in ClinVar:

NM_148919.4(PSMB8):c.193G>A (p.Val65Ile)

Gene: PSMB8 (proteasome 20S subunit beta 8; minus strand). Cytogenetic location: 6p21.32.
Variant type: single nucleotide variant.
Coding change: c.193G>A on transcript NM_148919.4 (MANE Select); coding-DNA position 193, G replaced by A.
Protein change: p.Val65Ile; replaces valine 65 with isoleucine.
Molecular consequence: missense variant.
Genome position (GRCh38, 1-based): chr6:32,843,044, C>T on the plus strand (G>A on the coding strand, the complement: PSMB8 is on the minus strand). VCF-style: chr6-32843044-C-T. GRCh37 (hg19) VCF-style: chr6-32810821-C-T.
Other names: c.181G>A, p.Val61Ile (NM_004159.5); short protein forms V61I, V65I.
Identifiers: ClinVar variation 1055013 (VCV001055013.7), dbSNP rs940695600, ClinGen allele CA137008144.

ClinVar aggregate classification (germline): Uncertain significance (1 of 4 stars; one submission).

Conditions:
Proteosome-associated autoinflammatory syndrome. Also called: Proteasome-associated autoinflammatory syndrome. Identifiers: Orphanet 324977, MedGen C1850568, MONDO:0009726.

Allele frequency attached by ClinVar (database versions not stated): gnomAD exomes 0.00001; gnomAD 0.00002.
gnomAD v4.1: 10 of 1,612,960 alleles (0.00062%); highest among the groups gnomAD compares: East Asian, 0.0022%; no homozygotes.

Submission:

Labcorp Genetics (formerly Invitae), Labcorp
Classification: Uncertain significance for Proteosome-associated autoinflammatory syndrome. Last evaluated: 2025-04-07. Review status: criteria provided, single submitter. Criteria: Invitae Variant Classification Sherloc (09022015). Collection method: clinical testing. Allele origin: germline.
Comment: This sequence change replaces valine, which is neutral and non-polar, with isoleucine, which is neutral and non-polar, at codon 65 of the PSMB8 protein (p.Val65Ile). This variant is present in population databases (no rsID available, gnomAD 0.002%). This variant has not been reported in the literature in individuals affected with PSMB8-related conditions. ClinVar contains an entry for this variant (Variation ID: 1055013). Invitae Evidence Modeling of protein sequence and biophysical properties (such as structural, functional, and spatial information, amino acid conservation, physicochemical variation, residue mobility, and thermodynamic stability) indicates that this missense variant is not expected to disrupt PSMB8 protein function with a negative predictive value of 80%. In summary, the available evidence is currently insufficient to determine the role of this variant in disease. Therefore, it has been classified as a Variant of Uncertain Significance.